The following is an entry in ClinVar:

ClinVar aggregate classification (germline): Uncertain significance (1 of 4 stars; one submission).

Submission:

GeneDx
Classification: Uncertain significance. Last evaluated: 2025-02-14. Review status: criteria provided, single submitter. Criteria: GeneDx Variant Classification Process June 2021. Collection method: clinical testing. Allele origin: germline. Affected: yes.
Comment: Not observed at significant frequency in large population cohorts (gnomAD); In silico analysis indicates that this missense variant does not alter protein structure/function; Has not been previously published as pathogenic or benign to our knowledge

NM_031407.7(HUWE1):c.10609C>T (p.Pro3537Ser)

Gene: HUWE1 (HECT, UBA and WWE domain containing E3 ubiquitin protein ligase 1; minus strand). Cytogenetic location: Xp11.22.
Variant type: single nucleotide variant.
Coding change: c.10609C>T on transcript NM_031407.7 (MANE Select); coding-DNA position 10609, C replaced by T.
Protein change: p.Pro3537Ser; replaces proline 3537 with serine.
Molecular consequence: missense variant.
Genome position (GRCh38, 1-based): chrX:53,547,700, G>A on the plus strand (C>T on the coding strand, the complement: HUWE1 is on the minus strand). VCF-style: chrX-53547700-G-A. GRCh37 (hg19) VCF-style: chrX-53574661-G-A.
Other names: c.10606C>T, p.Pro3536Ser (NM_001441048.1, NM_001441051.1, NM_001441053.1 and 2 more transcripts); c.10609C>T, p.Pro3537Ser (NM_001441049.1, NM_001441054.1, NM_001441057.1); c.10630C>T, p.Pro3544Ser (NM_001441050.1, NM_001441055.1); c.10207C>T, p.Pro3403Ser (NM_001441052.1); short protein forms P3403S, P3536S, P3537S, P3544S.
Identifiers: ClinVar variation 4075532 (VCV004075532.1).